The following is an entry in ClinVar:

NM_030665.4(RAI1):c.4770C>T (p.Ser1590=)

Gene: RAI1 (retinoic acid induced 1; plus strand). Cytogenetic location: 17p11.2.
Variant type: single nucleotide variant.
Coding change: c.4770C>T on transcript NM_030665.4 (MANE Select); coding-DNA position 4770, C replaced by T.
Protein change: p.Ser1590=; no amino-acid change (serine 1590 retained).
Molecular consequence: synonymous variant.
Genome position (GRCh38, 1-based): chr17:17,797,718, C>T. VCF-style: chr17-17797718-C-T. GRCh37 (hg19) VCF-style: chr17-17701032-C-T.
Identifiers: ClinVar variation 2647526 (VCV002647526.25), dbSNP rs751626848, ClinGen allele CA8419024.

ClinVar aggregate classification (germline): Likely benign. Review status: criteria provided, multiple submitters, no conflicts (2 of 4 stars). 2 submissions from 2 submitters: Likely benign (2). Last evaluated 2022-10-12.

Allele frequency attached by ClinVar (database versions not stated): ExAC 0.00001; gnomAD exomes 0.00001.
gnomAD v4.1: 18 of 1,613,640 alleles (0.0011%); highest among the groups gnomAD compares: African/African-American, 0.0013%; no homozygotes.

Submissions (2):

Blueprint Genetics
Classification: Likely benign. Last evaluated: 2022-10-12. Review status: criteria provided, single submitter. Criteria: ACMG Guidelines, 2015. Collection method: clinical testing. Allele origin: germline.

CeGaT Center for Human Genetics Tuebingen
Classification: Likely benign. Last evaluated: 2022-07-01. Review status: criteria provided, single submitter. Criteria: CeGaT Center For Human Genetics Tuebingen Variant Classification Criteria Version 2. Collection method: clinical testing. Allele origin: germline. Affected: yes. Observed: 1 variant allele.
Comment: RAI1: BP4, BP7